The following is an entry in ClinVar:

ClinVar aggregate classification (germline): Benign (1 of 4 stars; one submission).

Allele frequency attached by ClinVar (database versions not stated): TOPMed 0.30786; 1000 Genomes Project 30x 0.32573; gnomAD 0.33016 and 0.33420; 1000 Genomes Project 0.33566.
gnomAD v4.1: 50,735 of 151,778 alleles (33%); highest among the groups gnomAD compares: South Asian, 45%; 9,159 homozygotes.

Submission:

GeneDx
Classification: Benign. Last evaluated: 2018-06-18. Review status: criteria provided, single submitter. Criteria: GeneDx Variant Classification (06012015). Collection method: clinical testing. Allele origin: germline. Affected: yes.
Comment: This variant is considered likely benign or benign based on one or more of the following criteria: it is a conservative change, it occurs at a poorly conserved position in the protein, it is predicted to be benign by multiple in silico algorithms, and/or has population frequency not consistent with disease.

NM_000089.4(COL1A2):c.594+277C>T

Gene: COL1A2 (collagen type I alpha 2 chain; plus strand). Cytogenetic location: 7q21.3.
Variant type: single nucleotide variant.
Coding change: c.594+277C>T on transcript NM_000089.4 (MANE Select); 277 bases into the intron after coding-DNA position 594, C replaced by T.
Molecular consequence: intron variant.
Genome position (GRCh38, 1-based): chr7:94,406,580, C>T. VCF-style: chr7-94406580-C-T. GRCh37 (hg19) VCF-style: chr7-94035892-C-T.
Identifiers: ClinVar variation 683355 (VCV000683355.1), dbSNP rs3763466, ClinGen allele CA12515173.
Genomic context (GRCh38, chr7:94,406,580, plus strand): 5'-ATTGAGATAAAAATAATATTAATAGTTTCTTGTTCCATTTCCTTTCCTCCCTCTATAATT[C>T]CAGTGTATCTCTGCAGCCAAAATAAAAGTAAATAAACATATAATCAGAGATTACGACACT-3'